The following is an entry in ClinVar:

ClinVar aggregate classification (germline): Pathogenic (1 of 4 stars; one submission).

Conditions:
Ellis-van Creveld syndrome (EVC). Also called: MESOECTODERMAL DYSPLASIA; Chondroectodermal dysplasia; EVC-Related Ellis-van Creveld Syndrome; EVC2-Related Ellis-van Creveld Syndrome. Identifiers: Orphanet 289, MedGen C0013903, MONDO:0009162, OMIM 225500.
Curry-Hall syndrome (WAD). Also called: WEYERS ACRODENTAL DYSOSTOSIS. Identifiers: Orphanet 952, MedGen C0457013, MONDO:0008673, OMIM 193530.

Submission:

Labcorp Genetics (formerly Invitae), Labcorp
Classification: Pathogenic for Curry-Hall syndrome; Ellis-van Creveld syndrome. Last evaluated: 2023-08-11. Review status: criteria provided, single submitter. Criteria: Invitae Variant Classification Sherloc (09022015). Collection method: clinical testing. Allele origin: unknown.
Comment: For these reasons, this variant has been classified as Pathogenic. This variant has not been reported in the literature in individuals affected with EVC2-related conditions. This variant is a gross deletion of the genomic region encompassing exon(s) 14 of the EVC2 gene. This deletion is out-of-frame, and is expected to create a premature termination codon and result in an absent or disrupted protein product. Loss-of-function variants in EVC2 are known to be pathogenic (PMID: 17024374, 19810119, 19876929).

Literature cited by the submitters: PubMed 17024374; PubMed 19810119; PubMed 19876929.

NC_000004.11:g.(?_5624244)_(5624738_?)del

Gene: EVC2 (EvC ciliary complex subunit 2; minus strand). Cytogenetic location: 4p16.2.
Variant type: Deletion.
Identifiers: ClinVar variation 3246621 (VCV003246621.1).